The following is an entry in ClinVar:

NM_172362.3(KCNH1):c.2265G>C (p.Glu755Asp)

Gene: KCNH1 (potassium voltage-gated channel subfamily H member 1; minus strand). Cytogenetic location: 1q32.2.
Variant type: single nucleotide variant.
Coding change: c.2265G>C on transcript NM_172362.3 (MANE Select); coding-DNA position 2265, G replaced by C.
Protein change: p.Glu755Asp; replaces glutamic acid 755 with aspartic acid.
Molecular consequence: missense variant.
Genome position (GRCh38, 1-based): chr1:210,683,986, C>G on the plus strand (G>C on the coding strand, the complement: KCNH1 is on the minus strand). VCF-style: chr1-210683986-C-G. GRCh37 (hg19) VCF-style: chr1-210857328-C-G.
Other names: c.2184G>C, p.Glu728Asp (NM_002238.4); short protein forms E728D, E755D.
Identifiers: ClinVar variation 689343 (VCV000689343.2), dbSNP rs776649794, ClinGen allele CA1379725.

ClinVar aggregate classification (germline): Uncertain significance. Review status: criteria provided, single submitter (1 of 4 stars). 2 submissions from 2 submitters: Uncertain significance (1). 1 of the submissions does not count toward it. Last evaluated 2025-03-11.

Conditions:
Temple-Baraitser syndrome (TMBTS). Also called: Severe mental retardation and absent nails of hallux and pollex. Identifiers: Orphanet 420561, MedGen C2678486, MONDO:0012735, OMIM 611816.

Allele frequency attached by ClinVar (database versions not stated): gnomAD exomes 0.00001 and 0.00002; TOPMed 0.00001; ExAC 0.00003.
gnomAD v4.1: 11 of 1,599,740 alleles (0.00069%); highest among the groups gnomAD compares: Admixed American, 0.0017%; no homozygotes.

Submissions (2):

Labcorp Genetics (formerly Invitae), Labcorp
Classification: Uncertain significance. Last evaluated: 2025-03-11. Review status: criteria provided, single submitter. Criteria: Invitae Variant Classification Sherloc (09022015). Collection method: clinical testing. Allele origin: germline.
Comment: This sequence change replaces glutamic acid, which is acidic and polar, with aspartic acid, which is acidic and polar, at codon 755 of the KCNH1 protein (p.Glu755Asp). This variant is present in population databases (rs776649794, gnomAD 0.005%). This variant has not been reported in the literature in individuals affected with KCNH1-related conditions. ClinVar contains an entry for this variant (Variation ID: 689343). Invitae Evidence Modeling of protein sequence and biophysical properties (such as structural, functional, and spatial information, amino acid conservation, physicochemical variation, residue mobility, and thermodynamic stability) has been performed for this missense variant. However, the output from this modeling did not meet the statistical confidence thresholds required to predict the impact of this variant on KCNH1 protein function. In summary, the available evidence is currently insufficient to determine the role of this variant in disease. Therefore, it has been classified as a Variant of Uncertain Significance.

Institute of Human Genetics, Cologne University
Classification: Likely benign for Temple-Baraitser syndrome. Review status: no assertion criteria provided. Collection method: clinical testing. Allele origin: paternal. Affected: yes. Observed: 1 heterozygote. Not counted in ClinVar's aggregate classification.